The following is an entry in ClinVar:

NM_006516.4(SLC2A1):c.504C>G (p.Ile168Met)

Gene: SLC2A1 (solute carrier family 2 member 1; minus strand). Cytogenetic location: 1p34.2.
Variant type: single nucleotide variant.
Coding change: c.504C>G on transcript NM_006516.4 (MANE Select); coding-DNA position 504, C replaced by G.
Protein change: p.Ile168Met; replaces isoleucine 168 with methionine.
Molecular consequence: missense variant.
Genome position (GRCh38, 1-based): chr1:42,930,638, G>C on the plus strand (C>G on the coding strand, the complement: SLC2A1 is on the minus strand). VCF-style: chr1-42930638-G-C. GRCh37 (hg19) VCF-style: chr1-43396309-G-C.
Other names: short protein forms I168M.
Identifiers: ClinVar variation 1412664 (VCV001412664.6), dbSNP rs1643478599, ClinGen allele CA339960244.

ClinVar aggregate classification (germline): Uncertain significance (1 of 4 stars; one submission).

Conditions:
GLUT1 deficiency syndrome 1, autosomal recessive. Identifiers: MedGen C3149117.

Submission:

Labcorp Genetics (formerly Invitae), Labcorp
Classification: Uncertain significance for GLUT1 deficiency syndrome 1, autosomal recessive. Last evaluated: 2021-08-29. Review status: criteria provided, single submitter. Criteria: Invitae Variant Classification Sherloc (09022015). Collection method: clinical testing. Allele origin: germline.
Comment: In summary, the available evidence is currently insufficient to determine the role of this variant in disease. Therefore, it has been classified as a Variant of Uncertain Significance. Advanced modeling of protein sequence and biophysical properties (such as structural, functional, and spatial information, amino acid conservation, physicochemical variation, residue mobility, and thermodynamic stability) performed at Invitae indicates that this missense variant is expected to disrupt SLC2A1 protein function. This variant has not been reported in the literature in individuals affected with SLC2A1-related conditions. This variant is not present in population databases (ExAC no frequency). This sequence change replaces isoleucine with methionine at codon 168 of the SLC2A1 protein (p.Ile168Met). The isoleucine residue is highly conserved and there is a small physicochemical difference between isoleucine and methionine.